The following is an entry in ClinVar:

ClinVar aggregate classification (germline): Uncertain significance (1 of 4 stars; one submission).

Conditions:
Mucopolysaccharidosis, MPS-IV-A (MPS4A). Also called: Morquio syndrome A, mild; MORQUIO SYNDROME A; GALACTOSAMINE-6-SULFATASE DEFICIENCY; GALNS DEFICIENCY; MORQUIO A DISEASE; Mucopolysaccharidosis type IV A. Identifiers: Orphanet 309297, Orphanet 582, MedGen C0086651, MONDO:0009659, OMIM 253000.

gnomAD v4.1: 31 of 1,613,634 alleles (0.0019%); highest among the groups gnomAD compares: Non-Finnish European, 0.0024%; no homozygotes.

Submission:

Labcorp Genetics (formerly Invitae), Labcorp
Classification: Uncertain significance for Mucopolysaccharidosis, MPS-IV-A. Last evaluated: 2022-06-05. Review status: criteria provided, single submitter. Criteria: Invitae Variant Classification Sherloc (09022015). Collection method: clinical testing. Allele origin: germline.
Comment: This sequence change replaces alanine, which is neutral and non-polar, with serine, which is neutral and polar, at codon 324 of the GALNS protein (p.Ala324Ser). This variant is present in population databases (rs569725890, gnomAD 0.01%). This variant has not been reported in the literature in individuals affected with GALNS-related conditions. ClinVar contains an entry for this variant (Variation ID: 1373460). Advanced modeling of protein sequence and biophysical properties (such as structural, functional, and spatial information, amino acid conservation, physicochemical variation, residue mobility, and thermodynamic stability) performed at Invitae indicates that this missense variant is expected to disrupt GALNS protein function. In summary, the available evidence is currently insufficient to determine the role of this variant in disease. Therefore, it has been classified as a Variant of Uncertain Significance.

NM_000512.5(GALNS):c.970G>T (p.Ala324Ser)

Gene: GALNS (galactosamine (N-acetyl)-6-sulfatase; minus strand). Cytogenetic location: 16q24.3.
Variant type: single nucleotide variant.
Coding change: c.970G>T on transcript NM_000512.5 (MANE Select); coding-DNA position 970, G replaced by T.
Protein change: p.Ala324Ser; replaces alanine 324 with serine.
Molecular consequence: missense variant.
Genome position (GRCh38, 1-based): chr16:88,832,030, C>A on the plus strand (G>T on the coding strand, the complement: GALNS is on the minus strand). VCF-style: chr16-88832030-C-A. GRCh37 (hg19) VCF-style: chr16-88898438-C-A.
Other names: c.415G>T, p.Ala139Ser (NM_001323543.2); c.988G>T, p.Ala330Ser (NM_001323544.2); short protein forms A330S, A139S, A324S.
Identifiers: ClinVar variation 1373460 (VCV001373460.3), dbSNP rs569725890, ClinGen allele CA8234889.